The following is an entry in ClinVar:

NM_212482.4(FN1):c.6604A>G (p.Thr2202Ala)

Gene: FN1 (fibronectin 1; minus strand). Cytogenetic location: 2q35.
Variant type: single nucleotide variant.
Coding change: c.6604A>G on transcript NM_212482.4 (MANE Select); coding-DNA position 6604, A replaced by G.
Protein change: p.Thr2202Ala; replaces threonine 2202 with alanine.
Molecular consequence: missense variant. On other transcripts: intron variant (10).
Genome position (GRCh38, 1-based): chr2:215,372,019, T>C on the plus strand (A>G on the coding strand, the complement: FN1 is on the minus strand). VCF-style: chr2-215372019-T-C. GRCh37 (hg19) VCF-style: chr2-216236742-T-C.
Other names: c.5978-4A>G (NM_001306130.2); c.6170-4A>G (NM_001365522.2); c.6245-4A>G (NM_001365521.2); c.6515-4A>G (NM_001306129.2); c.6334A>G, p.Thr2112Ala (NM_001365517.2); c.6331A>G, p.Thr2111Ala (NM_001365518.2); c.6259A>G, p.Thr2087Ala (NM_001365519.2); c.6256A>G, p.Thr2086Ala (NM_001365520.2); and 8 more; short protein forms T1996A, T2021A, T2087A, T2111A, T2112A, T2202A, T2086A.
Identifiers: ClinVar variation 2806456 (VCV002806456.3), dbSNP rs755094788, ClinGen allele CA2093809.

ClinVar aggregate classification (germline): Uncertain significance (1 of 4 stars; one submission).

Allele frequency attached by ClinVar (database versions not stated): gnomAD exomes below 0.00001; ExAC 0.00001.
gnomAD v4.1: 5 of 1,614,244 alleles (0.00031%); highest among the groups gnomAD compares: Non-Finnish European, 0.00034%; no homozygotes.

Submission:

Labcorp Genetics (formerly Invitae), Labcorp
Classification: Uncertain significance. Last evaluated: 2023-06-09. Review status: criteria provided, single submitter. Criteria: Invitae Variant Classification Sherloc (09022015). Collection method: clinical testing. Allele origin: germline.
Comment: In summary, the available evidence is currently insufficient to determine the role of this variant in disease. Therefore, it has been classified as a Variant of Uncertain Significance. An algorithm developed to predict the effect of missense changes on protein structure and function (PolyPhen-2) suggests that this variant is likely to be tolerated. This variant has not been reported in the literature in individuals affected with FN1-related conditions. This variant is present in population databases (rs755094788, gnomAD 0.0009%). This sequence change replaces threonine, which is neutral and polar, with alanine, which is neutral and non-polar, at codon 2202 of the FN1 protein (p.Thr2202Ala).